The following is an entry in ClinVar:

NM_022552.5(DNMT3A):c.2080C>T (p.His694Tyr)

Gene: DNMT3A (DNA methyltransferase 3 alpha; minus strand). Cytogenetic location: 2p23.3.
Variant type: single nucleotide variant.
Coding change: c.2080C>T on transcript NM_022552.5 (MANE Select); coding-DNA position 2080, C replaced by T.
Protein change: p.His694Tyr; replaces histidine 694 with tyrosine.
Molecular consequence: missense variant. On other transcripts: non-coding transcript variant (1).
Genome position (GRCh38, 1-based): chr2:25,241,564, G>A on the plus strand (C>T on the coding strand, the complement: DNMT3A is on the minus strand). VCF-style: chr2-25241564-G-A. GRCh37 (hg19) VCF-style: chr2-25464433-G-A.
Other names: c.1624C>T, p.His542Tyr (NM_001320893.1); c.1411C>T, p.His471Tyr (NM_001375819.1); c.1513C>T, p.His505Tyr (NM_153759.3); c.2080C>T, p.His694Tyr (NM_175629.2); short protein forms H471Y, H505Y, H542Y, H694Y.
Identifiers: ClinVar variation 4076922 (VCV004076922.1).

ClinVar aggregate classification (germline): Uncertain significance (1 of 4 stars; one submission).

Submission:

GeneDx
Classification: Uncertain significance. Last evaluated: 2025-02-25. Review status: criteria provided, single submitter. Criteria: GeneDx Variant Classification Process June 2021. Collection method: clinical testing. Allele origin: germline. Affected: yes.
Comment: Not observed at significant frequency in large population cohorts (gnomAD); In silico analysis supports that this missense variant has a deleterious effect on protein structure/function; In silico analysis supports that this missense variant has a deleterious effect on splicing; Has not been previously published as pathogenic or benign to our knowledge